The following is an entry in ClinVar:

ClinVar aggregate classification (germline): Uncertain significance (1 of 4 stars; one submission).

Conditions:
Cardiovascular phenotype. Identifiers: MedGen CN230736.

Allele frequency attached by ClinVar (database versions not stated): gnomAD 0.00001; TOPMed 0.00001; gnomAD exomes 0.00002.

Submission:

Ambry Genetics
Classification: Uncertain significance for Cardiovascular phenotype. Last evaluated: 2025-04-23. Review status: criteria provided, single submitter. Criteria: Ambry Variant Classification Scheme 2023. Collection method: clinical testing. Allele origin: germline.
Comment: The p.A32V variant (also known as c.95C>T), located in coding exon 1 of the CHST14 gene, results from a C to T substitution at nucleotide position 95. The alanine at codon 32 is replaced by valine, an amino acid with similar properties. This amino acid position is conserved. In addition, this alteration is predicted to be tolerated by in silico analysis. Since supporting evidence is limited at this time, the clinical significance of this alteration remains unclear.

NM_130468.4(CHST14):c.95C>T (p.Ala32Val)

Genes: CHST14 (carbohydrate sulfotransferase 14; plus strand), LOC130056851 (ATAC-STARR-seq lymphoblastoid silent region 6336; plus strand). Cytogenetic location: 15q15.1.
Variant type: single nucleotide variant.
Coding change: c.95C>T on transcript NM_130468.4 (MANE Select); coding-DNA position 95, C replaced by T.
Protein change: p.Ala32Val; replaces alanine 32 with valine.
Molecular consequence: missense variant.
Genome position (GRCh38, 1-based): chr15:40,471,308, C>T. VCF-style: chr15-40471308-C-T. GRCh37 (hg19) VCF-style: chr15-40763507-C-T.
Other names: short protein forms A32V.
Identifiers: ClinVar variation 2451979 (VCV002451979.3), dbSNP rs910816020, ClinGen allele CA268822094.